The following is an entry in ClinVar:

NM_000369.5(TSHR):c.1449C>A (p.Asn483Lys)

Genes: TSHR (thyroid stimulating hormone receptor; plus strand), TSHR-AS1 (TSHR antisense RNA 1; minus strand). Cytogenetic location: 14q31.1.
Variant type: single nucleotide variant.
Coding change: c.1449C>A on transcript NM_000369.5 (MANE Select); coding-DNA position 1449, C replaced by A.
Protein change: p.Asn483Lys; replaces asparagine 483 with lysine.
Molecular consequence: missense variant.
Genome position (GRCh38, 1-based): chr14:81,143,507, C>A. VCF-style: chr14-81143507-C-A. GRCh37 (hg19) VCF-style: chr14-81609851-C-A.
Other names: short protein forms N483K.
Identifiers: ClinVar variation 3381350 (VCV003381350.1).
Genomic context (GRCh38, chr14:81,143,507, plus strand): 5'-GGGGATGTACCTGCTCCTCATCGCCTCTGTAGACCTCTACACTCACTCTGAGTACTACAA[C>A]CATGCCATCGACTGGCAGACAGGCCCTGGGTGCAACACGGCTGGTTTCTTCACTGTCTTT-3'
Protein context (NP_000360.2, residues 473-493): VDLYTHSEYY[Asn483Lys]HAIDWQTGPG

ClinVar aggregate classification (germline): Uncertain significance (1 of 4 stars; one submission).

gnomAD v4.1: 1 of 1,613,888 alleles (0.000062%); highest among the groups gnomAD compares: Non-Finnish European, 0.000085%; no homozygotes.

Submission:

GeneDx
Classification: Uncertain significance. Last evaluated: 2024-05-25. Review status: criteria provided, single submitter. Criteria: GeneDx Variant Classification Process June 2021. Collection method: clinical testing. Allele origin: germline. Affected: yes.
Comment: Not observed at significant frequency in large population cohorts (gnomAD); In silico analysis supports that this missense variant has a deleterious effect on protein structure/function; Identified in an individual who had elevated thyroid stimulating hormone on newborn screening (PMID: 27578510); This variant is associated with the following publications: (PMID: 27578510)